The following is an entry in ClinVar:

NM_002489.4(COXFA4):c.218A>G (p.Lys73Arg)

Gene: COXFA4 (cytochrome c oxidase associated subunit FA4; minus strand). Cytogenetic location: 7p21.3.
Variant type: single nucleotide variant.
Coding change: c.218A>G on transcript NM_002489.4 (MANE Select); coding-DNA position 218, A replaced by G.
Protein change: p.Lys73Arg; replaces lysine 73 with arginine.
Molecular consequence: missense variant.
Genome position (GRCh38, 1-based): chr7:10,933,664, T>C on the plus strand (A>G on the coding strand, the complement: COXFA4 is on the minus strand). VCF-style: chr7-10933664-T-C. GRCh37 (hg19) VCF-style: chr7-10973291-T-C.
Other names: short protein forms K73R.
Identifiers: ClinVar variation 2055105 (VCV002055105.4), dbSNP rs773866960, ClinGen allele CA4162538.

ClinVar aggregate classification (germline): Uncertain significance (1 of 4 stars; one submission).

Allele frequency attached by ClinVar (database versions not stated): gnomAD 0.00003; TOPMed 0.00003; ExAC 0.00008; gnomAD exomes 0.00003.
gnomAD v4.1: 51 of 1,611,008 alleles (0.0032%); highest among the groups gnomAD compares: Middle Eastern, 0.033%; no homozygotes.

Submission:

Labcorp Genetics (formerly Invitae), Labcorp
Classification: Uncertain significance. Last evaluated: 2025-03-29. Review status: criteria provided, single submitter. Criteria: Invitae Variant Classification Sherloc (09022015). Collection method: clinical testing. Allele origin: germline.
Comment: This sequence change replaces lysine, which is basic and polar, with arginine, which is basic and polar, at codon 73 of the NDUFA4 protein (p.Lys73Arg). This variant is present in population databases (rs773866960, gnomAD 0.01%). This variant has not been reported in the literature in individuals affected with NDUFA4-related conditions. ClinVar contains an entry for this variant (Variation ID: 2055105). An algorithm developed to predict the effect of missense changes on protein structure and function (PolyPhen-2) suggests that this variant is likely to be tolerated. In summary, the available evidence is currently insufficient to determine the role of this variant in disease. Therefore, it has been classified as a Variant of Uncertain Significance.